The following is an entry in ClinVar:

NM_002075.4(GNB3):c.125G>A (p.Arg42Gln)

Gene: GNB3 (G protein subunit beta 3; plus strand). Cytogenetic location: 12p13.31.
Variant type: single nucleotide variant.
Coding change: c.125G>A on transcript NM_002075.4 (MANE Select); coding-DNA position 125, G replaced by A.
Protein change: p.Arg42Gln; replaces arginine 42 with glutamine.
Molecular consequence: missense variant.
Genome position (GRCh38, 1-based): chr12:6,842,998, G>A. VCF-style: chr12-6842998-G-A. GRCh37 (hg19) VCF-style: chr12-6952162-G-A.
Other names: c.125G>A, p.Arg42Gln (NM_001297571.2); short protein forms R42Q.
Identifiers: ClinVar variation 1367277 (VCV001367277.9), dbSNP rs782154852, ClinGen allele CA6417420.
Genomic context (GRCh38, chr12:6,842,998, plus strand): 5'-CACCCTGATATTCAGTGCCCCTCTCTCTGCAGCTGGTGTCTGGCCTAGAGGTGGTGGGAC[G>A]AGTCCAGATGCGGACGCGGCGGACGTTAAGGGGACACCTGGCCAAGATTTACGCCATGCA-3'
Protein context (NP_002066.1, residues 32-52): ELVSGLEVVG[Arg42Gln]VQMRTRRTLR

ClinVar aggregate classification (germline): Uncertain significance. Review status: criteria provided, multiple submitters, no conflicts (2 of 4 stars). 2 submissions from 2 submitters: Uncertain significance (2). Last evaluated 2022-08-09.

Allele frequency attached by ClinVar (database versions not stated): gnomAD exomes 0.00001; ExAC 0.00002.
gnomAD v4.1: 15 of 1,553,220 alleles (0.00097%); highest among the groups gnomAD compares: South Asian, 0.0086%; no homozygotes.

Submissions (2):

Labcorp Genetics (formerly Invitae), Labcorp
Classification: Uncertain significance. Last evaluated: 2022-08-09. Review status: criteria provided, single submitter. Criteria: Invitae Variant Classification Sherloc (09022015). Collection method: clinical testing. Allele origin: germline.
Comment: This variant has not been reported in the literature in individuals affected with GNB3-related conditions. This variant is present in population databases (rs782154852, gnomAD 0.01%). This sequence change replaces arginine, which is basic and polar, with glutamine, which is neutral and polar, at codon 42 of the GNB3 protein (p.Arg42Gln). ClinVar contains an entry for this variant (Variation ID: 1367277). Algorithms developed to predict the effect of missense changes on protein structure and function (SIFT, PolyPhen-2, Align-GVGD) all suggest that this variant is likely to be tolerated. In summary, the available evidence is currently insufficient to determine the role of this variant in disease. Therefore, it has been classified as a Variant of Uncertain Significance.

Blueprint Genetics
Classification: Uncertain significance. Last evaluated: 2019-03-26. Review status: criteria provided, single submitter. Criteria: ACMG Guidelines, 2015. Collection method: clinical testing. Allele origin: germline.